The following is an entry in ClinVar:

NM_015932.6(POMP):c.168G>C (p.Gln56His)

Gene: POMP (proteasome maturation protein; plus strand). Cytogenetic location: 13q12.3.
Variant type: single nucleotide variant.
Coding change: c.168G>C on transcript NM_015932.6 (MANE Select); coding-DNA position 168, G replaced by C.
Protein change: p.Gln56His; replaces glutamine 56 with histidine.
Molecular consequence: missense variant.
Genome position (GRCh38, 1-based): chr13:28,668,478, G>C. VCF-style: chr13-28668478-G-C. GRCh37 (hg19) VCF-style: chr13-29242615-G-C.
Other names: c.168G>C (NM_015932.5); short protein forms Q56H.
Identifiers: ClinVar variation 1371381 (VCV001371381.9), dbSNP rs143564326, ClinGen allele CA6931046.

ClinVar aggregate classification (germline): Uncertain significance. Review status: criteria provided, multiple submitters, no conflicts (2 of 4 stars). 2 submissions from 2 submitters: Uncertain significance (2). Last evaluated 2025-11-23.

Conditions:
Inborn genetic diseases. Identifiers: MedGen C0950123, MeSH D030342.

Allele frequency attached by ClinVar (database versions not stated): gnomAD exomes 0.00002 and 0.00008; ExAC 0.00010; 1000 Genomes Project 0.00020; gnomAD 0.00030 and 0.00031; TOPMed 0.00041; ESP Exome Variant Server 0.00046; 1000 Genomes Project 30x 0.00047.
gnomAD v4.1: 81 of 1,603,388 alleles (0.0051%); highest among the groups gnomAD compares: African/African-American, 0.099%; no homozygotes.

Submissions (2):

Labcorp Genetics (formerly Invitae), Labcorp
Classification: Uncertain significance. Last evaluated: 2025-11-23. Review status: criteria provided, single submitter. Criteria: Invitae Variant Classification Sherloc (09022015). Collection method: clinical testing. Allele origin: germline.
Comment: This sequence change replaces glutamine, which is neutral and polar, with histidine, which is basic and polar, at codon 56 of the POMP protein (p.Gln56His). This variant is present in population databases (rs143564326, gnomAD 0.1%). This variant has not been reported in the literature in individuals affected with POMP-related conditions. ClinVar contains an entry for this variant (Variation ID: 1371381). An algorithm developed to predict the effect of missense changes on protein structure and function (PolyPhen-2) suggests that this variant is likely to be tolerated. In summary, the available evidence is currently insufficient to determine the role of this variant in disease. Therefore, it has been classified as a Variant of Uncertain Significance.

Ambry Genetics
Classification: Uncertain significance for Inborn genetic diseases. Last evaluated: 2021-08-02. Review status: criteria provided, single submitter. Criteria: Ambry Variant Classification Scheme 2023. Collection method: clinical testing. Allele origin: germline.